The following is an entry in ClinVar:

ClinVar aggregate classification (germline): Conflicting classifications of pathogenicity. Review status: criteria provided, conflicting classifications (1 of 4 stars). 5 submissions from 5 submitters: Uncertain significance (1); Likely benign (3). 1 of the submissions does not count toward it. Last evaluated 2026-01-26.

Conditions:
KMT2D-related disorder. Also called: KMT2D-Related Disorders.
Kabuki syndrome. Also called: NIIKAWA-KUROKI SYNDROME; Kabuki make-up syndrome. Identifiers: Orphanet 2322, MedGen C0796004, MONDO:0016512.

Allele frequency attached by ClinVar (database versions not stated): TOPMed 0.00002; gnomAD 0.00005 and 0.00001; 1000 Genomes Project 30x 0.00016; gnomAD exomes 0.00009; ExAC 0.00015.
gnomAD v4.1: 54 of 1,544,606 alleles (0.0035%); highest among the groups gnomAD compares: South Asian, 0.032%; no homozygotes.

Submissions (5):

Labcorp Genetics (formerly Invitae), Labcorp
Classification: Likely benign for Kabuki syndrome. Last evaluated: 2026-01-26. Review status: criteria provided, single submitter. Criteria: Invitae Variant Classification Sherloc (09022015). Collection method: clinical testing. Allele origin: germline.

Women's Health and Genetics/Laboratory Corporation of America, LabCorp
Classification: Likely benign. Last evaluated: 2025-11-25. Review status: criteria provided, single submitter. Criteria: LabCorp Variant Classification Summary - May 2015. Collection method: clinical testing. Allele origin: germline.

Athena Diagnostics
Classification: Likely benign. Last evaluated: 2018-03-08. Review status: criteria provided, single submitter. Criteria: Athena Diagnostics Criteria. Collection method: clinical testing. Allele origin: germline.

Eurofins Ntd Llc (ga)
Classification: Uncertain significance. Last evaluated: 2012-09-14. Review status: criteria provided, single submitter. Criteria: EGL Classification Definitions 2015. Collection method: clinical testing. Allele origin: germline. Observed: 1 variant allele, 1 heterozygote.

PreventionGenetics, part of Exact Sciences
Classification: Likely benign for KMT2D-related condition. Last evaluated: 2022-09-03. Review status: no assertion criteria provided. Collection method: clinical testing. Allele origin: germline. Not counted in ClinVar's aggregate classification.
Comment: This variant is classified as likely benign based on ACMG/AMP sequence variant interpretation guidelines (Richards et al. 2015 PMID: 25741868, with internal and published modifications).

NM_003482.4(KMT2D):c.6435G>A (p.Pro2145=)

Gene: KMT2D (lysine methyltransferase 2D; minus strand). Cytogenetic location: 12q13.12.
Variant type: single nucleotide variant.
Coding change: c.6435G>A on transcript NM_003482.4 (MANE Select); coding-DNA position 6435, G replaced by A.
Protein change: p.Pro2145=; no amino-acid change (proline 2145 retained).
Molecular consequence: synonymous variant.
Genome position (GRCh38, 1-based): chr12:49,041,335, C>T on the plus strand (G>A on the coding strand, the complement: KMT2D is on the minus strand). VCF-style: chr12-49041335-C-T. GRCh37 (hg19) VCF-style: chr12-49435118-C-T.
Identifiers: ClinVar variation 94237 (VCV000094237.20), dbSNP rs374077422, ClinGen allele CA222098.
Genomic context (GRCh38, chr12:49,041,335, plus strand): 5'-GGGTGGGAGCTTGAGGAAGAGCTCACCAGGCGAGTCAGGGCCAGGCACCGAGCCCGCCGG[C>T]GGCTTCAGGAACCCGTCCGCAGAGGTAGACAAGCCGGCGGGGGTAGTGGGGCTGCCAATG-3'
Protein context (NP_003473.3, residues 2135-2155): LSTSADGFLK[Pro2145=]PAGSVPGPDS